The following is an entry in ClinVar:

ClinVar aggregate classification (germline): Uncertain significance (1 of 4 stars; one submission).

Submission:

Quest Diagnostics Nichols Institute San Juan Capistrano
Classification: Uncertain significance. Last evaluated: 2024-10-08. Review status: criteria provided, single submitter. Criteria: Quest Diagnostics criteria. Collection method: clinical testing. Allele origin: unknown.
Comment: The BAP1 c.538C>T (p.Leu180Phe) variant has not been reported in individuals with BAP1-related conditions in the published literature. It also has not been reported in large, multi-ethnic general populations (Genome Aggregation Database). Analysis of this variant using bioinformatics tools for the prediction of the effect of amino acid changes on protein structure and function yielded predictions that this variant is damaging. Based on the available information, we are unable to determine the clinical significance of this variant.

NM_004656.4(BAP1):c.538C>T (p.Leu180Phe)

Gene: BAP1 (BRCA1 associated deubiquitinase 1; minus strand). Cytogenetic location: 3p21.1.
Variant type: single nucleotide variant.
Coding change: c.538C>T on transcript NM_004656.4 (MANE Select); coding-DNA position 538, C replaced by T.
Protein change: p.Leu180Phe; replaces leucine 180 with phenylalanine.
Molecular consequence: missense variant.
Genome position (GRCh38, 1-based): chr3:52,407,216, G>A on the plus strand (C>T on the coding strand, the complement: BAP1 is on the minus strand). VCF-style: chr3-52407216-G-A. GRCh37 (hg19) VCF-style: chr3-52441232-G-A.
Other names: c.538C>T, p.Leu180Phe (NM_001410772.1); short protein forms L180F.
Identifiers: ClinVar variation 3572240 (VCV003572240.1).